The following is an entry in ClinVar:

NM_003079.5(SMARCE1):c.959del (p.Pro320fs)

Gene: SMARCE1 (SWI/SNF related BAF chromatin remodeling complex subunit E1; minus strand). Cytogenetic location: 17q21.2.
Variant type: Deletion.
Coding change: c.959del on transcript NM_003079.5 (MANE Select); coding-DNA position 959, one base deleted (C; older notation c.959delC).
Protein change: p.Pro320fs; shifts the reading frame from proline 320.
Molecular consequence: frameshift variant.
Genome position (GRCh38, 1-based): chr17:40,630,782, G deleted on the plus strand (C on the coding strand, the reverse complement: SMARCE1 is on the minus strand); the first of 2 consecutive G bases (chr17:40,630,782-40,630,783); deleting either gives the same sequence. VCF-style (leftmost placement, unchanged base first): chr17-40630781-AG-A. GRCh37 (hg19) VCF-style: chr17-38787033-AG-A.
Other names: c.959delC (NM_003079.4); short protein forms P320fs.
Identifiers: ClinVar variation 2626165 (VCV002626165.3), dbSNP rs2508595907, ClinGen allele CA2582342166.
Genomic context (GRCh38, chr17:40,630,781, plus strand): 5'-CATCGGAATGTTCTCGTCGTCTTTCTTCTCCTCGCCTTTGTTAGCTGCTTGTTCTTCCTC[AG>A]GAACGATGCTGCTCTGACTGCGCTCAGCTTGCTCTGCGGCCTCCTTCTCCCTTTCCTCCT-3'

ClinVar aggregate classification (germline): Likely pathogenic (1 of 4 stars; one submission).

Conditions:
Hereditary cancer-predisposing syndrome. Also called: Tumor predisposition; Hereditary Cancer Syndrome; Hereditary neoplastic syndrome; Neoplastic Syndromes, Hereditary. Identifiers: Orphanet 140162, MedGen C0027672, MeSH D009386, MONDO:0015356.

Submission:

Ambry Genetics
Classification: Likely pathogenic for Hereditary cancer-predisposing syndrome. Last evaluated: 2025-07-29. Review status: criteria provided, single submitter. Criteria: Ambry Variant Classification Scheme 2023. Collection method: clinical testing. Allele origin: germline.
Comment: The c.959delC variant, located in coding exon 9 of the SMARCE1 gene, results from a deletion of one nucleotide at nucleotide position 959, causing a translational frameshift with a predicted alternate stop codon (p.P320Lfs*122). This variant was reported in individuals with features consistent with SMARCE1-related meningioma susceptibility (Schwermer M et al. Fam Cancer. 2021 Oct;20(4):257-262; Ambry internal data). This alteration occurs at the 3' terminus of theSMARCE1 gene, is not expected to trigger nonsense-mediated mRNAdecay and results in the elongation of the protein by 30 amino acids. This frameshift impacts the last 92amino acids of the native protein. Frameshifts are typically deleterious in nature and a significant portion of the protein is affected (Ambry internal data). This variant is considered to be rare based on population cohorts in the Genome Aggregation Database (gnomAD). Loss-of-function variants in SMARCE1 are known to cause increased risk of meningiomas; however, such associations with neurodevelopmental disorders are exceedingly rare (Kosho T et al. Am J Med Genet C Semin Med Genet. 2014 Sep;166C(3):262-75; Smith JM et al. Nat Genet. 2013 Mar;45(3):295-8). Based on the supporting evidence, this alteration is likely pathogenic for an increased risk of meningiomas; however, the association of this alteration with an increased risk of Coffin-Siris syndrome is unlikely.

Literature cited by the submitters: PubMed 33651299.